The following is an entry in ClinVar:

ClinVar aggregate classification (germline): Pathogenic (1 of 4 stars; one submission).

Conditions:
Predisposition to invasive fungal disease due to CARD9 deficiency (IMD103). Also called: CARD9 IMMUNODEFICIENCY; IMMUNODEFICIENCY 103, SUSCEPTIBILITY TO FUNGAL INFECTIONS; Candidiasis, familial, 2, autosomal recessive. Identifiers: Orphanet 457088, MedGen C1859353, MONDO:0008905, OMIM 212050.

Allele frequency attached by ClinVar (database versions not stated): ExAC 0.00001; gnomAD 0.00001; TOPMed 0.00003.
gnomAD v4.1: 2 of 1,612,552 alleles (0.00012%); highest among the groups gnomAD compares: African/African-American, 0.0027%; no homozygotes.

Submission:

Labcorp Genetics (formerly Invitae), Labcorp
Classification: Pathogenic for Predisposition to invasive fungal disease due to CARD9 deficiency. Last evaluated: 2022-07-22. Review status: criteria provided, single submitter. Criteria: Invitae Variant Classification Sherloc (09022015). Collection method: clinical testing. Allele origin: germline.
Comment: For these reasons, this variant has been classified as Pathogenic. This variant has not been reported in the literature in individuals affected with CARD9-related conditions. The frequency data for this variant in the population databases is considered unreliable, as metrics indicate poor data quality at this position in the gnomAD database. This sequence change creates a premature translational stop signal (p.Gln36*) in the CARD9 gene. It is expected to result in an absent or disrupted protein product. Loss-of-function variants in CARD9 are known to be pathogenic (PMID: 19864672, 24131138, 24231284).

Literature cited by the submitters: PubMed 19864672; PubMed 24131138; PubMed 24231284.

NM_052813.5(CARD9):c.106C>T (p.Gln36Ter)

Gene: CARD9 (caspase recruitment domain family member 9; minus strand). Cytogenetic location: 9q34.3.
Variant type: single nucleotide variant.
Coding change: c.106C>T on transcript NM_052813.5 (MANE Select); coding-DNA position 106, C replaced by T.
Protein change: p.Gln36Ter; replaces glutamine 36 with a stop codon.
Molecular consequence: nonsense.
Genome position (GRCh38, 1-based): chr9:136,371,973, G>A on the plus strand (C>T on the coding strand, the complement: CARD9 is on the minus strand). VCF-style: chr9-136371973-G-A. GRCh37 (hg19) VCF-style: chr9-139266425-G-A.
Other names: c.106C>T, p.Gln36Ter (NM_052814.4); short protein forms Q36*.
Identifiers: ClinVar variation 2008637 (VCV002008637.4), dbSNP rs768845190, ClinGen allele CA5333251.
Genomic context (GRCh38, chr9:136,371,973, plus strand): 5'-TGACCAGGTTGGGGTCGCTGAGCACCTGCTCCTCATCATCGGGGTTCAGGACCTTGCACT[G>A]CCGCAGGTAAGGTGTGATGCGTGAGGGGTCGATGACCGAGGTGAGCGTCACCCGGAAGCC-3'